The following is an entry in ClinVar:

ClinVar aggregate classification (germline): Likely benign (0 of 4 stars; one submission).

Conditions:
PLXNA4-related disorder. Also called: PLXNA4-related condition.

gnomAD v4.1: 1 of 1,613,922 alleles (0.000062%); highest among the groups gnomAD compares: African/African-American, 0.0013%; no homozygotes.

Submission:

PreventionGenetics, part of Exact Sciences
Classification: Likely benign for PLXNA4-related condition. Last evaluated: 2022-02-22. Review status: no assertion criteria provided. Collection method: clinical testing. Allele origin: germline.
Comment: This variant is classified as likely benign based on ACMG/AMP sequence variant interpretation guidelines (Richards et al. 2015 PMID: 25741868, with internal and published modifications).

NM_020911.2(PLXNA4):c.5220C>T (p.Ser1740=)

Gene: PLXNA4 (plexin A4; minus strand). Cytogenetic location: 7q32.3.
Variant type: single nucleotide variant.
Coding change: c.5220C>T on transcript NM_020911.2 (MANE Select); coding-DNA position 5220, C replaced by T.
Protein change: p.Ser1740=; no amino-acid change (serine 1740 retained).
Molecular consequence: synonymous variant.
Genome position (GRCh38, 1-based): chr7:132,145,124, G>A on the plus strand (C>T on the coding strand, the complement: PLXNA4 is on the minus strand). VCF-style: chr7-132145124-G-A. GRCh37 (hg19) VCF-style: chr7-131829883-G-A.
Other names: c.5220C>T, p.Ser1740= (NM_001393897.1).
Identifiers: ClinVar variation 3355665 (VCV003355665.1).